The following is an entry in ClinVar:

NM_000257.4(MYH7):c.4543C>A (p.Gln1515Lys)

Genes: MHRT (myosin heavy chain associated RNA transcript; plus strand), MYH7 (myosin heavy chain 7; minus strand). Cytogenetic location: 14q11.2.
Variant type: single nucleotide variant.
Coding change: c.4543C>A on transcript NM_000257.4 (MANE Select); coding-DNA position 4543, C replaced by A.
Protein change: p.Gln1515Lys; replaces glutamine 1515 with lysine.
Molecular consequence: missense variant. On other transcripts: non-coding transcript variant (1).
Genome position (GRCh38, 1-based): chr14:23,416,969, G>T on the plus strand (C>A on the coding strand, the complement: MYH7 is on the minus strand). VCF-style: chr14-23416969-G-T. GRCh37 (hg19) VCF-style: chr14-23886178-G-T.
Other names: c.4543C>A, p.Gln1515Lys (NM_001407004.1); short protein forms Q1515K.
Identifiers: ClinVar variation 2853638 (VCV002853638.3), dbSNP rs1892239000, ClinGen allele CA389038180.
Genomic context (GRCh38, chr14:23,416,969, plus strand): 5'-CCTCCAGCTGCTTTCGGACCTTCTCCAGCTCATGGATAGTCTTTCCGCTGGAACCCAACT[G>T]CTCAGTCAAGTCGGAGATCTCCTCTGTGTGGGGAACACGGTAACTCGGTTGAGGGCTGCT-3'
Protein context (NP_000248.2, residues 1505-1525): LQEEISDLTE[Gln1515Lys]LGSSGKTIHE

ClinVar aggregate classification (germline): Uncertain significance (1 of 4 stars; one submission).

Conditions:
Hypertrophic cardiomyopathy. Also called: HYPERTROPHIC MYOCARDIOPATHY. Identifiers: Orphanet 217569, MedGen C0007194, MeSH D002312, MONDO:0005045, HP:0001639.

Submission:

Labcorp Genetics (formerly Invitae), Labcorp
Classification: Uncertain significance for Hypertrophic cardiomyopathy. Last evaluated: 2023-04-08. Review status: criteria provided, single submitter. Criteria: Invitae Variant Classification Sherloc (09022015). Collection method: clinical testing. Allele origin: germline.
Comment: This sequence change replaces glutamine, which is neutral and polar, with lysine, which is basic and polar, at codon 1515 of the MYH7 protein (p.Gln1515Lys). This variant is not present in population databases (gnomAD no frequency). This variant has not been reported in the literature in individuals affected with MYH7-related conditions. Advanced modeling of protein sequence and biophysical properties (such as structural, functional, and spatial information, amino acid conservation, physicochemical variation, residue mobility, and thermodynamic stability) performed at Invitae indicates that this missense variant is expected to disrupt MYH7 protein function. In summary, the available evidence is currently insufficient to determine the role of this variant in disease. Therefore, it has been classified as a Variant of Uncertain Significance.